The following is an entry in ClinVar:

NM_033225.6(CSMD1):c.3744C>T (p.Tyr1248=)

Gene: CSMD1 (CUB and Sushi multiple domains 1; minus strand). Cytogenetic location: 8p23.2.
Variant type: single nucleotide variant.
Coding change: c.3744C>T on transcript NM_033225.6 (MANE Select); coding-DNA position 3744, C replaced by T.
Protein change: p.Tyr1248=; no amino-acid change (tyrosine 1248 retained).
Molecular consequence: synonymous variant.
Genome position (GRCh38, 1-based): chr8:3,308,391, G>A on the plus strand (C>T on the coding strand, the complement: CSMD1 is on the minus strand). VCF-style: chr8-3308391-G-A. GRCh37 (hg19) VCF-style: chr8-3165913-G-A.
Identifiers: ClinVar variation 3051885 (VCV003051885.2), dbSNP rs565627705, ClinGen allele CA4607693.

ClinVar aggregate classification (germline): Likely benign (0 of 4 stars; one submission).

Conditions:
CSMD1-related disorder. Also called: CSMD1-related condition.

Allele frequency attached by ClinVar (database versions not stated): TOPMed 0.00004; gnomAD 0.00005; gnomAD exomes 0.00010; ExAC 0.00013; 1000 Genomes Project 30x 0.00047; 1000 Genomes Project 0.00060.
gnomAD v4.1: 151 of 1,613,718 alleles (0.0094%); highest among the groups gnomAD compares: South Asian, 0.079%; 1 homozygote.

Submission:

PreventionGenetics, part of Exact Sciences
Classification: Likely benign for CSMD1-related condition. Last evaluated: 2019-02-21. Review status: no assertion criteria provided. Collection method: clinical testing. Allele origin: germline.
Comment: This variant is classified as likely benign based on ACMG/AMP sequence variant interpretation guidelines (Richards et al. 2015 PMID: 25741868, with internal and published modifications).